The following is an entry in ClinVar:

NM_001080432.3(FTO):c.1081C>T (p.Pro361Ser)

Gene: FTO (FTO alpha-ketoglutarate dependent dioxygenase; plus strand). Cytogenetic location: 16q12.2.
Variant type: single nucleotide variant.
Coding change: c.1081C>T on transcript NM_001080432.3 (MANE Select); coding-DNA position 1081, C replaced by T.
Protein change: p.Pro361Ser; replaces proline 361 with serine.
Molecular consequence: missense variant. On other transcripts: intron variant (2).
Genome position (GRCh38, 1-based): chr16:53,879,949, C>T. VCF-style: chr16-53879949-C-T. GRCh37 (hg19) VCF-style: chr16-53913861-C-T.
Other names: c.1111C>T, p.Pro371Ser (NM_001363891.2); c.1081C>T, p.Pro361Ser (NM_001363894.2, NM_001363896.2, NM_001363903.2 and 4 more transcripts); c.1003C>T, p.Pro335Ser (NM_001363897.2); c.967C>T, p.Pro323Ser (NM_001363899.2); c.937C>T, p.Pro313Ser (NM_001363901.2); c.568C>T, p.Pro190Ser (NM_001363905.2); c.1005+6084C>T (NM_001363898.2); c.975+6084C>T (NM_001363900.2); short protein forms P323S, P371S, P313S, P361S, P335S, P190S.
Identifiers: ClinVar variation 1356614 (VCV001356614.3), dbSNP rs369714221, ClinGen allele CA8058514.

ClinVar aggregate classification (germline): Uncertain significance (1 of 4 stars; one submission).

Allele frequency attached by ClinVar (database versions not stated): gnomAD 0.00019 and 0.00021; TOPMed 0.00020; 1000 Genomes Project 30x 0.00031; 1000 Genomes Project 0.00040; gnomAD exomes 0.00001 and 0.00006; ExAC 0.00007; ESP Exome Variant Server 0.00008.
gnomAD v4.1: 50 of 1,613,726 alleles (0.0031%); highest among the groups gnomAD compares: African/African-American, 0.063%; no homozygotes.

Submission:

Labcorp Genetics (formerly Invitae), Labcorp
Classification: Uncertain significance. Last evaluated: 2022-07-07. Review status: criteria provided, single submitter. Criteria: Invitae Variant Classification Sherloc (09022015). Collection method: clinical testing. Allele origin: germline.
Comment: This sequence change replaces proline, which is neutral and non-polar, with serine, which is neutral and polar, at codon 361 of the FTO protein (p.Pro361Ser). This variant is present in population databases (rs369714221, gnomAD 0.07%). This variant has not been reported in the literature in individuals affected with FTO-related conditions. ClinVar contains an entry for this variant (Variation ID: 1356614). Algorithms developed to predict the effect of missense changes on protein structure and function output the following: SIFT: "Tolerated"; PolyPhen-2: "Benign"; Align-GVGD: "Class C0". The serine amino acid residue is found in multiple mammalian species, which suggests that this missense change does not adversely affect protein function. In summary, the available evidence is currently insufficient to determine the role of this variant in disease. Therefore, it has been classified as a Variant of Uncertain Significance.